The following is an entry in ClinVar:

ClinVar aggregate classification (germline): Uncertain significance. Review status: criteria provided, multiple submitters, no conflicts (2 of 4 stars). 2 submissions from 2 submitters: Uncertain significance (2). Last evaluated 2025-02-12.

Conditions:
Inborn genetic diseases. Identifiers: MedGen C0950123, MeSH D030342.

Allele frequency attached by ClinVar (database versions not stated): gnomAD exomes below 0.00001; gnomAD 0.00001; TOPMed 0.00001.
gnomAD v4.1: 2 of 1,613,932 alleles (0.00012%); highest among the groups gnomAD compares: Non-Finnish European, 0.00017%; no homozygotes.

Submissions (2):

Ambry Genetics
Classification: Uncertain significance for Inborn genetic diseases. Last evaluated: 2025-02-12. Review status: criteria provided, single submitter. Criteria: Ambry Variant Classification Scheme 2023. Collection method: clinical testing. Allele origin: germline.

Labcorp Genetics (formerly Invitae), Labcorp
Classification: Uncertain significance. Last evaluated: 2022-08-23. Review status: criteria provided, single submitter. Criteria: Invitae Variant Classification Sherloc (09022015). Collection method: clinical testing. Allele origin: germline.
Comment: This sequence change replaces phenylalanine, which is neutral and non-polar, with isoleucine, which is neutral and non-polar, at codon 2064 of the LRP2 protein (p.Phe2064Ile). This variant is not present in population databases (gnomAD no frequency). This variant has not been reported in the literature in individuals affected with LRP2-related conditions. ClinVar contains an entry for this variant (Variation ID: 1417421). Advanced modeling of protein sequence and biophysical properties (such as structural, functional, and spatial information, amino acid conservation, physicochemical variation, residue mobility, and thermodynamic stability) performed at Invitae indicates that this missense variant is expected to disrupt LRP2 protein function. In summary, the available evidence is currently insufficient to determine the role of this variant in disease. Therefore, it has been classified as a Variant of Uncertain Significance.

NM_004525.3(LRP2):c.6190T>A (p.Phe2064Ile)

Gene: LRP2 (LDL receptor related protein 2; minus strand). Cytogenetic location: 2q31.1.
Variant type: single nucleotide variant.
Coding change: c.6190T>A on transcript NM_004525.3 (MANE Select); coding-DNA position 6190, T replaced by A.
Protein change: p.Phe2064Ile; replaces phenylalanine 2064 with isoleucine.
Molecular consequence: missense variant.
Genome position (GRCh38, 1-based): chr2:169,212,058, A>T on the plus strand (T>A on the coding strand, the complement: LRP2 is on the minus strand). VCF-style: chr2-169212058-A-T. GRCh37 (hg19) VCF-style: chr2-170068568-A-T.
Other names: c.6190T>A (NM_004525.2); short protein forms F2064I.
Identifiers: ClinVar variation 1417421 (VCV001417421.6), dbSNP rs1688613149, ClinGen allele CA349131526.
Genomic context (GRCh38, chr2:169,212,058, plus strand): 5'-AATGATCTGACAATTCCAAGCTAAAGCCTCTGATTGCAGACAGCATTGAAACAACAATGA[A>T]AGAGTTATATGGAGAGCAGGACCGATTATCAGGATTGAGTTTAAATCCAGTGGCACAGGC-3'
Protein context (NP_004516.2, residues 2054-2074): DNRSCSPYNS[Phe2064Ile]IVVSMLSAIR